The following is an entry in ClinVar:

ClinVar aggregate classification (germline): Likely pathogenic (1 of 4 stars; one submission).

Conditions:
Hypertrophic cardiomyopathy. Also called: HYPERTROPHIC MYOCARDIOPATHY. Identifiers: Orphanet 217569, MedGen C0007194, MeSH D002312, MONDO:0005045, HP:0001639.

Submission:

Labcorp Genetics (formerly Invitae), Labcorp
Classification: Likely pathogenic for Hypertrophic cardiomyopathy. Last evaluated: 2024-06-24. Review status: criteria provided, single submitter. Criteria: Invitae Variant Classification Sherloc (09022015). Collection method: clinical testing. Allele origin: germline.
Comment: This sequence change replaces methionine, which is neutral and non-polar, with threonine, which is neutral and polar, at codon 165 of the MYH7 protein (p.Met165Thr). This variant is not present in population databases (gnomAD no frequency). This missense change has been observed in individual(s) with dilated cardiomyopathy (Invitae). ClinVar contains an entry for this variant (Variation ID: 1026181). Advanced modeling of protein sequence and biophysical properties (such as structural, functional, and spatial information, amino acid conservation, physicochemical variation, residue mobility, and thermodynamic stability) performed at Invitae indicates that this missense variant is expected to disrupt MYH7 protein function with a positive predictive value of 95%. This variant disrupts the p.Met165 amino acid residue in MYH7. Other variant(s) that disrupt this residue have been determined to be pathogenic (Invitae). This suggests that this residue is clinically significant, and that variants that disrupt this residue are likely to be disease-causing. In summary, the currently available evidence indicates that the variant is pathogenic, but additional data are needed to prove that conclusively. Therefore, this variant has been classified as Likely Pathogenic.

NM_000257.4(MYH7):c.494T>C (p.Met165Thr)

Gene: MYH7 (myosin heavy chain 7; minus strand). Cytogenetic location: 14q11.2.
Variant type: single nucleotide variant.
Coding change: c.494T>C on transcript NM_000257.4 (MANE Select); coding-DNA position 494, T replaced by C.
Protein change: p.Met165Thr; replaces methionine 165 with threonine.
Molecular consequence: missense variant.
Genome position (GRCh38, 1-based): chr14:23,432,647, A>G on the plus strand (T>C on the coding strand, the complement: MYH7 is on the minus strand). VCF-style: chr14-23432647-A-G. GRCh37 (hg19) VCF-style: chr14-23901856-A-G.
Other names: short protein forms M165T.
Identifiers: ClinVar variation 1026181 (VCV001026181.8), dbSNP rs730880920, ClinGen allele CA389052701.